The following is an entry in ClinVar:

NM_000261.2(MYOC):c.423C>T (p.Ala141=)

Gene: MYOC (myocilin; minus strand). Cytogenetic location: 1q24.3.
Variant type: single nucleotide variant.
Coding change: c.423C>T on transcript NM_000261.2 (MANE Select); coding-DNA position 423, C replaced by T.
Protein change: p.Ala141=; no amino-acid change (alanine 141 retained).
Molecular consequence: synonymous variant.
Genome position (GRCh38, 1-based): chr1:171,652,189, G>A on the plus strand (C>T on the coding strand, the complement: MYOC is on the minus strand). VCF-style: chr1-171652189-G-A. GRCh37 (hg19) VCF-style: chr1-171621329-G-A.
Other names: NM_000261.2:c.423C>T.
Identifiers: ClinVar variation 2442270 (VCV002442270.2), dbSNP rs2527873261, ClinGen allele CA421939411.

ClinVar aggregate classification (germline): Uncertain significance (3 of 4 stars; one submission).

Conditions:
Open-angle glaucoma. Identifiers: MedGen C0017612, MONDO:0005338, HP:0012108.

Submission:

ClinGen Glaucoma Variant Curation Expert Panel
Classification: Uncertain significance for Open-angle glaucoma. Last evaluated: 2025-10-08. Review status: reviewed by expert panel. Criteria: ClinGen Glaucoma ACMG Specifications V2.0.0 Approved. Collection method: curation. Allele origin: germline. Inheritance: Autosomal dominant inheritance.
Comment: The c.423C>T variant in MYOC is a synonymous variant (p.Ala141=). This variant was not found in any genetic ancestry group of gnomAD (v4.1.0), meeting the ≤ 0.0001 threshold set for PM2_Supporting in a genetic ancestry group of at least 10,000 alleles. The SpliceAI score = 0.01, which met the ≤ 0.1 threshold for BP4, suggesting that the variant does not impact MYOC function. This synonymous variant meets BP4, so BP7 is met. There was no functional evidence predicting a damaging or benign impact of this variant on MYOC function. Only 1 proband with primary open angle glaucoma had been reported (PMID: 23922489). Although at least one variant carrier had been identified in another study (PMID: 20664688), it was not clear as to how many there were, and whether they had open angle glaucoma or not. Thus the ≥ 2 probands threshold required for PS4_Supporting was not met. In summary, this variant met the criteria to receive a score of -1 and to be classified as a variant of uncertain significance (uncertain significance classification range -1 to 5, adapted from PMID: 32720330) for primary open angle glaucoma based on the ACMG/AMP criteria met, as specified by the ClinGen Glaucoma VCEP (v2.0.0, 5 Dec 2024): BP4, BP7, PM2_Supporting.